The following is an entry in ClinVar:

ClinVar aggregate classification (germline): Uncertain significance (1 of 4 stars; one submission).

Conditions:
Nance-Horan syndrome (NHS). Identifiers: Orphanet 627, MedGen C0796085, MONDO:0010545, OMIM 302350.

Submission:

Labcorp Genetics (formerly Invitae), Labcorp
Classification: Uncertain significance for Nance-Horan syndrome. Last evaluated: 2025-12-12. Review status: criteria provided, single submitter. Criteria: Invitae Variant Classification Sherloc (09022015). Collection method: clinical testing. Allele origin: germline.
Comment: This sequence change replaces leucine, which is neutral and non-polar, with glutamine, which is neutral and polar, at codon 122 of the NHS protein (p.Leu122Gln). This variant is not present in population databases (gnomAD no frequency). This variant has not been reported in the literature in individuals affected with NHS-related conditions. An algorithm developed to predict the effect of missense changes on protein structure and function (PolyPhen-2) suggests that this variant is likely to be disruptive. In summary, the available evidence is currently insufficient to determine the role of this variant in disease. Therefore, it has been classified as a Variant of Uncertain Significance.

NM_001291867.2(NHS):c.365T>A (p.Leu122Gln)

Gene: NHS (NHS actin remodeling regulator; plus strand). Cytogenetic location: Xp22.2.
Variant type: single nucleotide variant.
Coding change: c.365T>A on transcript NM_001291867.2 (MANE Select); coding-DNA position 365, T replaced by A.
Protein change: p.Leu122Gln; replaces leucine 122 with glutamine.
Molecular consequence: missense variant.
Genome position (GRCh38, 1-based): chrX:17,376,122, T>A. VCF-style: chrX-17376122-T-A. GRCh37 (hg19) VCF-style: chrX-17394245-T-A.
Other names: c.365T>A, p.Leu122Gln (NM_198270.4); short protein forms L122Q.
Identifiers: ClinVar variation 4733000 (VCV004733000.1).